The following is an entry in ClinVar:

NM_002618.4(PEX13):c.383G>T (p.Gly128Val)

Gene: PEX13 (peroxisomal biogenesis factor 13; plus strand). Cytogenetic location: 2p15.
Variant type: single nucleotide variant.
Coding change: c.383G>T on transcript NM_002618.4 (MANE Select); coding-DNA position 383, G replaced by T.
Protein change: p.Gly128Val; replaces glycine 128 with valine.
Molecular consequence: missense variant.
Genome position (GRCh38, 1-based): chr2:61,031,709, G>T. VCF-style: chr2-61031709-G-T. GRCh37 (hg19) VCF-style: chr2-61258844-G-T.
Other names: short protein forms G128V.
Identifiers: ClinVar variation 522751 (VCV000522751.52), dbSNP rs554152771, ClinGen allele CA1673291.
Genomic context (GRCh38, chr2:61,031,709, plus strand): 5'-TCCGTGTAGATGATCTTCCACCCAGTAGATTTGTTCAGCAAGCTGAAGAAAGCAGCAGGG[G>T]TGCATTTCAGTCCATTGAAAGTATTGTGCATGCATTTGCCTCTGTCAGTATGATGATGGA-3'
Protein context (NP_002609.1, residues 118-138): FVQQAEESSR[Gly128Val]AFQSIESIVH

ClinVar aggregate classification (germline): Conflicting classifications of pathogenicity. Review status: criteria provided, conflicting classifications (1 of 4 stars). 6 submissions from 6 submitters: Uncertain significance (2); Likely benign (3). 1 of the submissions does not count toward it. Last evaluated 2026-01-27.

Conditions:
PEX13-related disorder. Also called: PEX13-related disorders; PEX13-related condition.
Peroxisome biogenesis disorder 11A (Zellweger). Also called: Peroxisome biogenesis disorder 11A. Identifiers: Orphanet 912, MedGen C3554000, MONDO:0013949, OMIM 614883.

Allele frequency attached by ClinVar (database versions not stated): gnomAD below 0.00001 and 0.00014; TOPMed 0.00003; gnomAD exomes 0.00033; 1000 Genomes Project 0.00040; ExAC 0.00040; 1000 Genomes Project 30x 0.00062.

Submissions (6):

Labcorp Genetics (formerly Invitae), Labcorp
Classification: Likely benign for Peroxisome biogenesis disorder 11A (Zellweger). Last evaluated: 2026-01-27. Review status: criteria provided, single submitter. Criteria: Invitae Variant Classification Sherloc (09022015). Collection method: clinical testing. Allele origin: germline.

Blueprint Genetics
Classification: Likely benign. Last evaluated: 2024-09-30. Review status: criteria provided, single submitter. Criteria: ACMG Guidelines, 2015. Collection method: clinical testing. Allele origin: germline.

CeGaT Center for Human Genetics Tuebingen
Classification: Likely benign. Last evaluated: 2021-12-01. Review status: criteria provided, single submitter. Criteria: CeGaT Center For Human Genetics Tuebingen Variant Classification Criteria Version 2. Collection method: clinical testing. Allele origin: germline. Affected: yes. Observed: 1 variant allele.

Revvity Omics, Revvity
Classification: Uncertain significance. Last evaluated: 2019-05-21. Review status: criteria provided, single submitter. Criteria: ACMG Guidelines, 2015. Collection method: clinical testing. Allele origin: germline.

Genomic Research Center, Shahid Beheshti University of Medical Sciences
Classification: Uncertain significance for Peroxisome biogenesis disorder 11A (Zellweger). Last evaluated: 2017-12-03. Review status: criteria provided, single submitter. Criteria: ACMG Guidelines, 2015. Collection method: clinical testing. Allele origin: inherited. Affected: yes.

PreventionGenetics, part of Exact Sciences
Classification: Likely benign for PEX13-related condition. Last evaluated: 2022-06-27. Review status: no assertion criteria provided. Collection method: clinical testing. Allele origin: germline. Not counted in ClinVar's aggregate classification.
Comment: This variant is classified as likely benign based on ACMG/AMP sequence variant interpretation guidelines (Richards et al. 2015 PMID: 25741868, with internal and published modifications).